The following is an entry in ClinVar:

NM_002055.5(GFAP):c.715C>T (p.Arg239Cys)

Gene: GFAP (glial fibrillary acidic protein; minus strand). Cytogenetic location: 17q21.31.
Variant type: single nucleotide variant.
Coding change: c.715C>T on transcript NM_002055.5 (MANE Select); coding-DNA position 715, C replaced by T.
Protein change: p.Arg239Cys; replaces arginine 239 with cysteine.
Molecular consequence: missense variant.
Genome position (GRCh38, 1-based): chr17:44,913,334, G>A on the plus strand (C>T on the coding strand, the complement: GFAP is on the minus strand). VCF-style: chr17-44913334-G-A. GRCh37 (hg19) VCF-style: chr17-42990702-G-A.
Other names: NM_002055.5(GFAP):c.715C>T; c.715C>T, p.Arg239Cys (NM_001131019.3, NM_001242376.3, NM_001363846.2); c.715C>T (NM_001242376.1); short protein forms R239C.
Identifiers: ClinVar variation 16167 (VCV000016167.31), dbSNP rs58064122, ClinGen allele CA217208.

ClinVar aggregate classification (germline): Pathogenic. Review status: reviewed by expert panel (3 of 4 stars). 16 submissions from 16 submitters: Pathogenic (1). 15 of the submissions do not count toward it. Last evaluated 2026-08-18.

Conditions:
GFAP-related disorder. Also called: GFAP-related disorders; GFAP-related condition.
Alexander disease (ALXDRD). Also called: Alexander's disease. Identifiers: Orphanet 58, MedGen C0270726, MONDO:0008752, OMIM 203450.

Submissions 1 to 7 of 16:

ClinGen Leukodystrophy and Leukoencephalopathy Variant Curation Expert Panel, ClinGen
Classification: Pathogenic for Alexander disease. Last evaluated: 2026-08-18. Review status: reviewed by expert panel. Criteria: ClinGen Leuko ACMG Specifications GFAP V1.0. Collection method: curation. Allele origin: germline. Inheritance: Autosomal dominant inheritance.
Comment: The NM_002055.5(GFAP):c.715C>T, variant in GFAP is a missense variant predicted to cause a substitution of arginine by cysteine at amino acid 239 (p.Arg239Cys). This variant has been reported in five probands who met definite diagnostic criteria for Alexander Disease per ClinGen Leukodystrophy and Leukoencephalopathy Expert Panel Specifications to the ACMG/AMP Variant Interpretation Guidelines for GFAP Version 1.0.0 (PS4_Very Strong; PMID:15732097) and identified as a de novo occurrence with confirmed parental relationships in two individuals who met definite diagnostic criteria for Alexander Disease per ClinGen Leukodystrophy and Leukoencephalopathy Expert Panel Specifications to the ACMG/AMP Variant Interpretation Guidelines for GFAP Version 1.0.0 (PS2_Very Strong; PMID: 23364391). This variant is absent from gnomAD v[4.1.1] (PM2_Supporting). An aggregation assay in a zebrafish model showed a significantly higher number of GFAP aggregates than wild-type GFAP indicating that this variant impacts protein function (PMID: 28882119) (PS3_Very Strong). In summary, this variant meets the criteria to be classified as a pathogenic for Alexander Disease based on the ACMG/AMP criteria applied, as specified by the ClinGen Leukodystrophy and Leukoencephalopathy VCEP: PS2_Very Strong, PS3_Very Strong, PS4_Very Strong, PM2_Supporting (ClinGen Leukodystrophy and Leukoencephalopathy VCEP Specifications Version 1.0.0).

CeGaT Center for Human Genetics Tuebingen
Classification: Pathogenic. Last evaluated: 2025-08-01. Review status: criteria provided, single submitter. Criteria: CeGaT Center For Human Genetics Tuebingen Variant Classification Criteria Version 2. Collection method: clinical testing. Allele origin: germline. Affected: yes. Observed: 1 variant allele. Not counted in ClinVar's aggregate classification.
Comment: GFAP: PS2, PM1, PM2, PM5, PS4:Moderate, PS3:Supporting

Institute of Human Genetics Munich, TUM University Hospital
Classification: Pathogenic for Alexander disease. Last evaluated: 2025-02-10. Review status: criteria provided, single submitter. Criteria: Classification criteria August 2017. Collection method: clinical testing. Allele origin: de novo. Inheritance: Autosomal dominant inheritance. Affected: yes. Observed: 1 variant allele. Not counted in ClinVar's aggregate classification.

GeneDx
Classification: Pathogenic. Last evaluated: 2024-12-12. Review status: criteria provided, single submitter. Criteria: GeneDx Variant Classification Process June 2021. Collection method: clinical testing. Allele origin: germline. Affected: yes. Not counted in ClinVar's aggregate classification.
Comment: Published functional studies demonstrate a damaging effect (PMID: 20448479; PMID: 30213442); In silico analysis supports that this missense variant has a deleterious effect on protein structure/function; Not observed at significant frequency in large population cohorts (gnomAD); This variant is associated with the following publications: (PMID: 32342562, 34146839, 15675360, 11138011, 11587071, 15840648, 12175861, 28882119, 30213442, 36088400, 15732098, 34950187, 34865968, 37152446, 20448479)

3billion
Classification: Pathogenic for Alexander disease. Last evaluated: 2024-06-14. Review status: criteria provided, single submitter. Criteria: ACMG Guidelines, 2015. Collection method: clinical testing. Allele origin: germline. Affected: yes. Not counted in ClinVar's aggregate classification.
Comment: The variant is not observed in the gnomAD v4.0.0 dataset. Predicted Consequence/Location: Missense changes are a common disease-causing mechanism. In silico tool predictions suggest damaging effect of the variant on gene or gene product [REVEL: 0.90 (>=0.6, sensitivity 0.68 and specificity 0.92); 3Cnet: 0.92 (>=0.6, sensitivity 0.72 and precision 0.9)]. The same nucleotide change resulting in the same amino acid change has been previously reported as pathogenic/likely pathogenic with strong evidence (ClinVar ID: VCV000016167 /PMID: 11138011). Different missense changes at the same codon (p.Arg239Gly, p.Arg239His, p.Arg239Leu, p.Arg239Pro) have been reported as pathogenic/likely pathogenic with strong evidence (ClinVar ID: VCV000016168, VCV000066498 /PMID: 11138011, 12368989, 17043438, 21940697). Therefore, this variant is classified as Pathogenic according to the recommendation of ACMG/AMP guideline.

Women's Health and Genetics/Laboratory Corporation of America, LabCorp
Classification: Pathogenic for Alexander disease. Last evaluated: 2023-05-17. Review status: criteria provided, single submitter. Criteria: LabCorp Variant Classification Summary - May 2015. Collection method: clinical testing. Allele origin: germline. Not counted in ClinVar's aggregate classification.
Comment: Variant summary: GFAP c.715C>T (p.Arg239Cys) results in a non-conservative amino acid change located in the Intermediate filament, rod domain (IPR039008) of the encoded protein sequence. Five of five in-silico tools predict a damaging effect of the variant on protein function. The variant was absent in 251450 control chromosomes. c.715C>T has been reported in the literature in multiple individuals affected with Alexander Disease (examples: Brenner_2001, Rodriguez_2001). These data indicate that the variant is very likely to be associated with disease. At least one publication reports experimental evidence showing the variant is associated with impaired autophagy leading to abnormal GFAP protein accumulation in Alexander disease (Tang_2008). The following publications have been ascertained in the context of this evaluation (PMID: 11138011, 11567214, 18276609). Five clinical diagnostic laboratories have submitted clinical-significance assessments for this variant to ClinVar after 2014 without evidence for independent evaluation. All laboratories classified the variant as pathogenic. Based on the evidence outlined above, the variant was classified as pathogenic.

Victorian Clinical Genetics Services, Murdoch Childrens Research Institute
Classification: Pathogenic for Alexander disease. Last evaluated: 2022-02-02. Review status: criteria provided, single submitter. Criteria: ACMG Guidelines, 2015. Collection method: clinical testing. Allele origin: germline. Inheritance: Autosomal dominant inheritance. Not counted in ClinVar's aggregate classification.
Comment: Based on the classification scheme VCGS_Germline_v1.3.4, this variant is classified as Pathogenic. Following criteria are met: 0103 - Dominant negative and gain of function are suggested as mechanisms of disease in this gene and are associated with Alexander disease (MIM#203450). Functional studies have demonstrated both dominant negative and gain of function are possible mechanisms of disease, however, the latter is the most widely accepted mechanism (OMIM, GeneReviews, PMIDs: 11138011, 30355500, 31484723). (I) 0107 - This gene is associated with autosomal dominant disease. (I) 0115 - Variants in this gene are known to have variable expressivity (GeneReviews). (I) 0200 - Variant is predicted to result in a missense amino acid change from arginine to cysteine. (I) 0251 - This variant is heterozygous. (I) 0301 - Variant is absent from gnomAD (both v2 and v3). (SP) 0501 - Missense variant consistently predicted to be damaging by multiple in silico tools or highly conserved with a major amino acid change. (SP) 0602 - Variant is located in a hotspot region or cluster of pathogenic variants (DECIPHER, PMID: 19386454). (SP) 0801 - This variant has very strong previous evidence of pathogenicity in unrelated individuals with infantile and juvenile Alexander disease and is considered a recurrent variant (ClinVar, PMID: 19386454). (SP) 1208 - Inheritance information for this variant is not currently available in this individual. (I) Legend: (SP) - Supporting pathogenic, (I) - Information, (SB) - Supporting benign